The following is an entry in ClinVar:

NM_005101.4(ISG15):c.202G>A (p.Gly68Ser)

Gene: ISG15 (ISG15 ubiquitin like modifier; plus strand). Cytogenetic location: 1p36.33.
Variant type: single nucleotide variant.
Coding change: c.202G>A on transcript NM_005101.4 (MANE Select); coding-DNA position 202, G replaced by A.
Protein change: p.Gly68Ser; replaces glycine 68 with serine.
Molecular consequence: missense variant.
Genome position (GRCh38, 1-based): chr1:1,014,182, G>A. VCF-style: chr1-1014182-G-A. GRCh37 (hg19) VCF-style: chr1-949562-G-A.
Other names: c.202G>A, p.Gly68Ser (LRG_1231t1); short protein forms G68S.
Identifiers: ClinVar variation 661288 (VCV000661288.8), dbSNP rs748078443, ClinGen allele CA507646.
Genomic context (GRCh38, chr1:1,014,182, plus strand): 5'-CACCCGAGCGGTGTGGCGCTGCAGGACAGGGTCCCCCTTGCCAGCCAGGGCCTGGGCCCC[G>A]GCAGCACGGTCCTGCTGGTGGTGGACAAATGCGACGAACCTCTGAGCATCCTGGTGAGGA-3'
Protein context (NP_005092.1, residues 58-78): VPLASQGLGP[Gly68Ser]STVLLVVDKC

ClinVar aggregate classification (germline): Uncertain significance. Review status: criteria provided, multiple submitters, no conflicts (2 of 4 stars). 2 submissions from 2 submitters: Uncertain significance (2). Last evaluated 2025-06-10.

Conditions:
Mendelian susceptibility to mycobacterial diseases due to complete ISG15 deficiency. Also called: IMMUNODEFICIENCY 38, MYCOBACTERIOSIS, AUTOSOMAL RECESSIVE; ISG15 DEFICIENCY, AUTOSOMAL RECESSIVE; Immunodeficiency 38 with basal ganglia calcification; Immunodeficiency 38. Identifiers: Orphanet 319563, MedGen C4015293, MONDO:0014502, OMIM 616126.

Allele frequency attached by ClinVar (database versions not stated): ExAC 0.00001; gnomAD exomes 0.00002; gnomAD 0.00003 and 0.00004; TOPMed 0.00005.
gnomAD v4.1: 27 of 1,613,050 alleles (0.0017%); highest among the groups gnomAD compares: Non-Finnish European, 0.0017%; no homozygotes.

Submissions (2):

Ambry Genetics
Classification: Uncertain significance. Last evaluated: 2025-06-10. Review status: criteria provided, single submitter. Criteria: Ambry Variant Classification Scheme 2023. Collection method: clinical testing. Allele origin: germline.

Labcorp Genetics (formerly Invitae), Labcorp
Classification: Uncertain significance for Mendelian susceptibility to mycobacterial diseases due to complete ISG15 deficiency. Last evaluated: 2024-02-19. Review status: criteria provided, single submitter. Criteria: Invitae Variant Classification Sherloc (09022015). Collection method: clinical testing. Allele origin: germline.
Comment: This sequence change replaces glycine, which is neutral and non-polar, with serine, which is neutral and polar, at codon 68 of the ISG15 protein (p.Gly68Ser). This variant is present in population databases (rs748078443, gnomAD 0.004%). This variant has not been reported in the literature in individuals affected with ISG15-related conditions. ClinVar contains an entry for this variant (Variation ID: 661288). Algorithms developed to predict the effect of missense changes on protein structure and function output the following: SIFT: "Not Available"; PolyPhen-2: "Benign"; Align-GVGD: "Not Available". The serine amino acid residue is found in multiple mammalian species, which suggests that this missense change does not adversely affect protein function. In summary, the available evidence is currently insufficient to determine the role of this variant in disease. Therefore, it has been classified as a Variant of Uncertain Significance.